The following is an entry in ClinVar:

NM_001378414.1(HDAC4):c.2159A>G (p.His720Arg)

Gene: HDAC4 (histone deacetylase 4; minus strand). Cytogenetic location: 2q37.3.
Variant type: single nucleotide variant.
Coding change: c.2159A>G on transcript NM_001378414.1 (MANE Select); coding-DNA position 2159, A replaced by G.
Protein change: p.His720Arg; replaces histidine 720 with arginine.
Molecular consequence: missense variant.
Genome position (GRCh38, 1-based): chr2:239,102,850, T>C on the plus strand (A>G on the coding strand, the complement: HDAC4 is on the minus strand). VCF-style: chr2-239102850-T-C. GRCh37 (hg19) VCF-style: chr2-240024546-T-C.
Other names: c.2159A>G, p.His720Arg (NM_001378415.1); c.2144A>G, p.His715Arg (NM_001378416.1, NM_001378417.1, NM_006037.4); short protein forms H715R, H720R.
Identifiers: ClinVar variation 3370865 (VCV003370865.1).

ClinVar aggregate classification (germline): Uncertain significance (1 of 4 stars; one submission).

Submission:

GeneDx
Classification: Uncertain significance. Last evaluated: 2024-03-15. Review status: criteria provided, single submitter. Criteria: GeneDx Variant Classification Process June 2021. Collection method: clinical testing. Allele origin: germline. Affected: yes.
Comment: Not observed at significant frequency in large population cohorts (gnomAD); In silico analysis supports that this missense variant has a deleterious effect on protein structure/function; Has not been previously published as pathogenic or benign to our knowledge